The following is an entry in ClinVar:

NM_080680.3(COL11A2):c.3890G>T (p.Gly1297Val)

Gene: COL11A2 (collagen type XI alpha 2 chain; minus strand). Cytogenetic location: 6p21.32.
Variant type: single nucleotide variant.
Coding change: c.3890G>T on transcript NM_080680.3 (MANE Select); coding-DNA position 3890, G replaced by T.
Protein change: p.Gly1297Val; replaces glycine 1297 with valine.
Molecular consequence: missense variant.
Genome position (GRCh38, 1-based): chr6:33,168,722, C>A on the plus strand (G>T on the coding strand, the complement: COL11A2 is on the minus strand). VCF-style: chr6-33168722-C-A. GRCh37 (hg19) VCF-style: chr6-33136499-C-A.
Other names: c.3710G>T, p.Gly1237Val (NM_001424108.1); c.3044G>T, p.Gly1015Val (NM_001424109.1); c.2864G>T, p.Gly955Val (NM_001424110.1, NM_001424111.1); c.1844G>T, p.Gly615Val (NM_001424112.1); c.3569G>T, p.Gly1190Val (NM_080679.3); c.3632G>T, p.Gly1211Val (NM_080681.3); short protein forms G1015V, G1190V, G1211V, G1237V, G1297V, G615V, G955V.
Identifiers: ClinVar variation 3068368 (VCV003068368.1), dbSNP rs1583299412, ClinGen allele CA363624953.

ClinVar aggregate classification (germline): Uncertain significance (1 of 4 stars; one submission).

Conditions:
Autosomal dominant nonsyndromic hearing loss 13. Identifiers: Orphanet 90635, MedGen C1866095, MONDO:0011159, OMIM 601868.

Submission:

MVZ Medizinische Genetik Mainz
Classification: Uncertain significance for Autosomal dominant nonsyndromic hearing loss 13. Last evaluated: 2023-01-13. Review status: criteria provided, single submitter. Criteria: UK Practice Guidelines For Variant Classification V4 01 2020. Collection method: clinical testing. Allele origin: germline. Inheritance: Autosomal dominant inheritance. Affected: yes. Observed: 1 variant allele.
Comment: ACMG Criteria: PM2_SUP, PP3, PM1_SUP